The following is an entry in ClinVar:

ClinVar aggregate classification (germline): Uncertain significance (1 of 4 stars; one submission).

Submission:

Labcorp Genetics (formerly Invitae), Labcorp
Classification: Uncertain significance. Last evaluated: 2025-07-06. Review status: criteria provided, single submitter. Criteria: Invitae Variant Classification Sherloc (09022015). Collection method: clinical testing. Allele origin: germline.
Comment: This sequence change replaces cysteine, which is neutral and slightly polar, with tyrosine, which is neutral and polar, at codon 1642 of the POLE protein (p.Cys1642Tyr). This variant is not present in population databases (gnomAD no frequency). This variant has not been reported in the literature in individuals affected with POLE-related conditions. Invitae Evidence Modeling of protein sequence and biophysical properties (such as structural, functional, and spatial information, amino acid conservation, physicochemical variation, residue mobility, and thermodynamic stability) indicates that this missense variant is not expected to disrupt POLE protein function with a negative predictive value of 80%. In summary, the available evidence is currently insufficient to determine the role of this variant in disease. Therefore, it has been classified as a Variant of Uncertain Significance.

NM_006231.4(POLE):c.4925G>A (p.Cys1642Tyr)

Gene: POLE (DNA polymerase epsilon, catalytic subunit; minus strand). Cytogenetic location: 12q24.33.
Variant type: single nucleotide variant.
Coding change: c.4925G>A on transcript NM_006231.4 (MANE Select); coding-DNA position 4925, G replaced by A.
Protein change: p.Cys1642Tyr; replaces cysteine 1642 with tyrosine.
Molecular consequence: missense variant.
Genome position (GRCh38, 1-based): chr12:132,642,533, C>T on the plus strand (G>A on the coding strand, the complement: POLE is on the minus strand). VCF-style: chr12-132642533-C-T. GRCh37 (hg19) VCF-style: chr12-133219119-C-T.
Other names: short protein forms C1642Y.
Identifiers: ClinVar variation 4807031 (VCV004807031.1).